The following is an entry in ClinVar:

ClinVar aggregate classification (germline): Uncertain significance. Review status: criteria provided, multiple submitters, no conflicts (2 of 4 stars). 2 submissions from 2 submitters: Uncertain significance (2). Last evaluated 2025-03-04.

Conditions:
Inborn genetic diseases. Identifiers: MedGen C0950123, MeSH D030342.
Charcot-Marie-Tooth disease dominant intermediate F. Identifiers: Orphanet 352670, MedGen C4749463, MONDO:0014074, OMIM 615185.

Allele frequency attached by ClinVar (database versions not stated): gnomAD exomes below 0.00001.
gnomAD v4.1: 7 of 1,582,152 alleles (0.00044%); highest among the groups gnomAD compares: Middle Eastern, 0.017%; no homozygotes.

Submissions (2):

Labcorp Genetics (formerly Invitae), Labcorp
Classification: Uncertain significance for Charcot-Marie-Tooth disease dominant intermediate F. Last evaluated: 2025-03-04. Review status: criteria provided, single submitter. Criteria: Invitae Variant Classification Sherloc (09022015). Collection method: clinical testing. Allele origin: germline.
Comment: This sequence change replaces arginine, which is basic and polar, with glutamine, which is neutral and polar, at codon 22 of the GNB4 protein (p.Arg22Gln). This variant is not present in population databases (gnomAD no frequency). This variant has not been reported in the literature in individuals affected with GNB4-related conditions. ClinVar contains an entry for this variant (Variation ID: 1754409). Invitae Evidence Modeling of protein sequence and biophysical properties (such as structural, functional, and spatial information, amino acid conservation, physicochemical variation, residue mobility, and thermodynamic stability) indicates that this missense variant is not expected to disrupt GNB4 protein function with a negative predictive value of 95%. In summary, the available evidence is currently insufficient to determine the role of this variant in disease. Therefore, it has been classified as a Variant of Uncertain Significance.

Ambry Genetics
Classification: Uncertain significance for Inborn genetic diseases. Last evaluated: 2020-01-29. Review status: criteria provided, single submitter. Criteria: Ambry Variant Classification Scheme 2023. Collection method: clinical testing. Allele origin: germline.
Comment: The p.R22Q variant (also known as c.65G>A), located in coding exon 2 of the GNB4 gene, results from a G to A substitution at nucleotide position 65. The arginine at codon 22 is replaced by glutamine, an amino acid with highly similar properties. This amino acid position is highly conserved in available vertebrate species. In addition, this alteration is predicted to be tolerated by in silico analysis. Since supporting evidence is limited at this time, the clinical significance of this alteration remains unclear.

NM_021629.4(GNB4):c.65G>A (p.Arg22Gln)

Gene: GNB4 (G protein subunit beta 4; minus strand). Cytogenetic location: 3q26.33.
Variant type: single nucleotide variant.
Coding change: c.65G>A on transcript NM_021629.4 (MANE Select); coding-DNA position 65, G replaced by A.
Protein change: p.Arg22Gln; replaces arginine 22 with glutamine.
Molecular consequence: missense variant.
Genome position (GRCh38, 1-based): chr3:179,420,920, C>T on the plus strand (G>A on the coding strand, the complement: GNB4 is on the minus strand). VCF-style: chr3-179420920-C-T. GRCh37 (hg19) VCF-style: chr3-179138708-C-T.
Other names: short protein forms R22Q.
Identifiers: ClinVar variation 1754409 (VCV001754409.5), dbSNP rs1318528118, ClinGen allele CA355471279.
Genomic context (GRCh38, chr3:179,420,920, plus strand): 5'-AAATGAAATAAAGAAAAACAAAACTTTACCTGAACAAGCGTTGCATCATTACATGCTTTC[C>T]GAGCATCCTGAAGTAAAAAAATATGATTATAATGCATTTAGCAACCTGTGGAATGACTAA-3'
Protein context (NP_067642.1, residues 12-32): EQLRNQIQDA[Arg22Gln]KACNDATLVQ